The following is an entry in ClinVar:

NM_032806.6(POMGNT2):c.1403G>A (p.Arg468Gln)

Gene: POMGNT2 (protein O-linked mannose N-acetylglucosaminyltransferase 2 (beta 1,4-); minus strand). Cytogenetic location: 3p22.1.
Variant type: single nucleotide variant.
Coding change: c.1403G>A on transcript NM_032806.6 (MANE Select); coding-DNA position 1403, G replaced by A.
Protein change: p.Arg468Gln; replaces arginine 468 with glutamine.
Molecular consequence: missense variant.
Genome position (GRCh38, 1-based): chr3:43,080,029, C>T on the plus strand (G>A on the coding strand, the complement: POMGNT2 is on the minus strand). VCF-style: chr3-43080029-C-T. GRCh37 (hg19) VCF-style: chr3-43121521-C-T.
Other names: short protein forms R468Q.
Identifiers: ClinVar variation 2158140 (VCV002158140.2), dbSNP rs148292398, ClinGen allele CA2339850.

ClinVar aggregate classification (germline): Uncertain significance (1 of 4 stars; one submission).

Conditions:
Muscular dystrophy-dystroglycanopathy (congenital with brain and eye anomalies), type a, 8 (MDDGA8). Also called: WALKER-WARBURG SYNDROME OR MUSCLE-EYE-BRAIN DISEASE, GTDC2-RELATED. Identifiers: Orphanet 899, MedGen C3553813, MONDO:0013904, OMIM 614830.

Allele frequency attached by ClinVar (database versions not stated): gnomAD 0.00001; TOPMed 0.00001; ExAC 0.00002; ESP Exome Variant Server 0.00008.
gnomAD v4.1: 9 of 1,613,762 alleles (0.00056%); highest among the groups gnomAD compares: Admixed American, 0.0033%; no homozygotes.

Submission:

Labcorp Genetics (formerly Invitae), Labcorp
Classification: Uncertain significance for Muscular dystrophy-dystroglycanopathy (congenital with brain and eye anomalies), type a, 8. Last evaluated: 2022-11-14. Review status: criteria provided, single submitter. Criteria: Invitae Variant Classification Sherloc (09022015). Collection method: clinical testing. Allele origin: germline.
Comment: In summary, the available evidence is currently insufficient to determine the role of this variant in disease. Therefore, it has been classified as a Variant of Uncertain Significance. Advanced modeling of protein sequence and biophysical properties (such as structural, functional, and spatial information, amino acid conservation, physicochemical variation, residue mobility, and thermodynamic stability) performed at Invitae indicates that this missense variant is not expected to disrupt POMGNT2 protein function. This variant has not been reported in the literature in individuals affected with POMGNT2-related conditions. This variant is present in population databases (rs148292398, gnomAD 0.006%). This sequence change replaces arginine, which is basic and polar, with glutamine, which is neutral and polar, at codon 468 of the POMGNT2 protein (p.Arg468Gln).